The following is an entry in ClinVar:

NM_000081.4(LYST):c.5648G>T (p.Gly1883Val)

Gene: LYST (lysosomal trafficking regulator; minus strand). Cytogenetic location: 1q42.3.
Variant type: single nucleotide variant.
Coding change: c.5648G>T on transcript NM_000081.4 (MANE Select); coding-DNA position 5648, G replaced by T.
Protein change: p.Gly1883Val; replaces glycine 1883 with valine.
Molecular consequence: missense variant.
Genome position (GRCh38, 1-based): chr1:235,773,978, C>A on the plus strand (G>T on the coding strand, the complement: LYST is on the minus strand). VCF-style: chr1-235773978-C-A. GRCh37 (hg19) VCF-style: chr1-235937278-C-A.
Other names: c.5648G>T, p.Gly1883Val (NM_001301365.1); short protein forms G1883V.
Identifiers: ClinVar variation 1017603 (VCV001017603.9), dbSNP rs2527963150, ClinGen allele CA344950807.

ClinVar aggregate classification (germline): Uncertain significance. Review status: criteria provided, multiple submitters, no conflicts (2 of 4 stars). 2 submissions from 2 submitters: Uncertain significance (2). Last evaluated 2022-08-09.

Conditions:
Chédiak-Higashi syndrome (CHS). Also called: Chediak-Higashi Syndrome. Identifiers: Orphanet 167, MedGen C0007965, MONDO:0008963, OMIM 214500.

Submissions (2):

Labcorp Genetics (formerly Invitae), Labcorp
Classification: Uncertain significance for Chédiak-Higashi syndrome. Last evaluated: 2022-08-09. Review status: criteria provided, single submitter. Criteria: Invitae Variant Classification Sherloc (09022015). Collection method: clinical testing. Allele origin: germline.
Comment: This sequence change replaces glycine, which is neutral and non-polar, with valine, which is neutral and non-polar, at codon 1883 of the LYST protein (p.Gly1883Val). This variant is not present in population databases (gnomAD no frequency). This variant has not been reported in the literature in individuals affected with LYST-related conditions. ClinVar contains an entry for this variant (Variation ID: 1017603). Algorithms developed to predict the effect of missense changes on protein structure and function are either unavailable or do not agree on the potential impact of this missense change (SIFT: "Deleterious"; PolyPhen-2: "Probably Damaging"; Align-GVGD: "Class C0"). Algorithms developed to predict the effect of sequence changes on RNA splicing suggest that this variant may create or strengthen a splice site. In summary, the available evidence is currently insufficient to determine the role of this variant in disease. Therefore, it has been classified as a Variant of Uncertain Significance.

Blueprint Genetics
Classification: Uncertain significance. Last evaluated: 2022-01-20. Review status: criteria provided, single submitter. Criteria: ACMG Guidelines, 2015. Collection method: clinical testing. Allele origin: germline.